The following is an entry in ClinVar:

NR_003051.4(RMRP):n.205T>G

Gene: RMRP (RNA component of mitochondrial RNA processing endoribonuclease; minus strand). Cytogenetic location: 9p13.3.
Variant type: single nucleotide variant.
Molecular consequence: non-coding transcript variant (on NR_003051.4).
Genome position: GRCh38 VCF-style: chr9-35657815-A-C. GRCh37 (hg19) VCF-style: chr9-35657812-A-C.
Identifiers: ClinVar variation 3339230 (VCV003339230.1).

ClinVar aggregate classification (germline): Uncertain significance (1 of 4 stars; one submission).

Submission:

Women's Health and Genetics/Laboratory Corporation of America, LabCorp
Classification: Uncertain significance. Last evaluated: 2024-07-31. Review status: criteria provided, single submitter. Criteria: LabCorp Variant Classification Summary - May 2015. Collection method: clinical testing. Allele origin: germline.
Comment: Variant summary: RMRP n.204T>G alters a nucleotide in the non-coding RNA. The variant was absent in 129396 control chromosomes. The available data on variant occurrences in the general population are insufficient to allow any conclusion about variant significance. To our knowledge, no occurrence of n.204T>G in individuals affected with Cartilage-Hair Hypoplasia and no experimental evidence demonstrating its impact on protein function have been reported. No submitters have cited clinical-significance assessments for this variant to ClinVar. Based on the evidence outlined above, the variant was classified as uncertain significance.